The following is an entry in ClinVar:

NM_000388.4(CASR):c.*1198T>C

Gene: CASR (calcium sensing receptor; plus strand). Cytogenetic location: 3q21.1.
Variant type: single nucleotide variant.
Coding change: c.*1198T>C on transcript NM_000388.4 (MANE Select); 1198 bases downstream of the stop codon, T replaced by C.
Molecular consequence: 3 prime UTR variant.
Genome position (GRCh38, 1-based): chr3:122,286,389, T>C. VCF-style: chr3-122286389-T-C. GRCh37 (hg19) VCF-style: chr3-122005236-T-C.
Other names: c.*1198T>C (NM_001178065.2).
Identifiers: ClinVar variation 342820 (VCV000342820.6), dbSNP rs10190, ClinGen allele CA10616939.

ClinVar aggregate classification (germline): Benign. Review status: criteria provided, multiple submitters, no conflicts (2 of 4 stars). 5 submissions from 2 submitters: Benign (5). Last evaluated 2018-01-13.

Conditions:
Autosomal dominant hypocalcemia 1 (HYPOC1). Also called: HYPOCALCEMIA, FAMILIAL. Identifiers: MedGen C3715128, MONDO:0011013, OMIM 601198.
Neonatal severe primary hyperparathyroidism. Identifiers: Orphanet 417, MedGen C1832615, MONDO:0009397, OMIM 239200.
Familial hypoparathyroidism. Also called: Familial isolated hypoparathyroidism. Identifiers: Orphanet 2238, MedGen C1832648, MONDO:0016390.
Familial hypocalciuric hypercalcemia 1. Also called: Hypercalcemia, familial benign type 1. Identifiers: Orphanet 405, Orphanet 93372, MedGen C0342637, MONDO:0007791, OMIM 145980.

Allele frequency attached by ClinVar (database versions not stated): 1000 Genomes Project 30x 0.52686; 1000 Genomes Project 0.53315; TOPMed 0.53815; gnomAD 0.54750 and 0.55752; gnomAD exomes 1.00000.
gnomAD v4.1: 84,888 of 152,066 alleles (56%); highest among the groups gnomAD compares: Middle Eastern, 74%; 26,185 homozygotes.

Submissions (5):

Illumina Laboratory Services, Illumina
Classification: Benign for Familial isolated hypoparathyroidism. Last evaluated: 2018-01-13. Review status: criteria provided, single submitter. Criteria: ICSL Variant Classification Criteria 13 December 2019. Collection method: clinical testing. Allele origin: germline.
Comment: This variant was observed in the ICSL laboratory as part of a predisposition screen in an ostensibly healthy population. It had not been previously curated by ICSL or reported in the Human Gene Mutation Database (HGMD: prior to June 1st, 2018), and was therefore a candidate for classification through an automated scoring system. Utilizing variant allele frequency, disease prevalence and penetrance estimates, and inheritance mode, an automated score was calculated to assess if this variant is too frequent to cause the disease. Based on the score and internal cut-off values, a variant classified as benign is not then subjected to further curation. The score for this variant resulted in a classification of benign for this disease.

Illumina Laboratory Services, Illumina
Classification: Benign for Neonatal severe primary hyperparathyroidism. Last evaluated: 2018-01-13. Review status: criteria provided, single submitter. Criteria: ICSL Variant Classification Criteria 13 December 2019. Collection method: clinical testing. Allele origin: germline.
Comment: the same text as in the submission from Illumina Laboratory Services, Illumina above.

Illumina Laboratory Services, Illumina
Classification: Benign for Autosomal dominant hypocalcemia 1. Last evaluated: 2018-01-13. Review status: criteria provided, single submitter. Criteria: ICSL Variant Classification Criteria 13 December 2019. Collection method: clinical testing. Allele origin: germline.
Comment: the same text as in the submission from Illumina Laboratory Services, Illumina above.

Illumina Laboratory Services, Illumina
Classification: Benign for Familial hypocalciuric hypercalcemia 1. Last evaluated: 2018-01-13. Review status: criteria provided, single submitter. Criteria: ICSL Variant Classification Criteria 13 December 2019. Collection method: clinical testing. Allele origin: germline.
Comment: the same text as in the submission from Illumina Laboratory Services, Illumina above.

Breakthrough Genomics
Classification: Benign. Review status: criteria provided, single submitter. Criteria: ACMG Guidelines, 2015. Collection method: not provided. Allele origin: germline. Inheritance: Autosomal recessive inheritance. Affected: yes.